The following is an entry in ClinVar:

NM_021254.4(CFAP298):c.1A>G (p.Met1Val)

Genes: CFAP298 (cilia and flagella associated protein 298; minus strand), CFAP298-TCP10L (CFAP298-TCP10L readthrough; minus strand). Cytogenetic location: 21q22.11.
Variant type: single nucleotide variant.
Coding change: c.1A>G on transcript NM_021254.4 (MANE Select); coding-DNA position 1, A replaced by G.
Protein change: p.Met1Val; changes the start codon (methionine 1).
Molecular consequence: missense variant, initiator codon variant. On other transcripts: non-coding transcript variant (2), 5 prime UTR variant (1).
Genome position (GRCh38, 1-based): chr21:32,612,243, T>C on the plus strand (A>G on the coding strand, the complement: CFAP298 is on the minus strand). VCF-style: chr21-32612243-T-C. GRCh37 (hg19) VCF-style: chr21-33984553-T-C.
Other names: c.1A>G, p.Met1Val (NM_001350338.2, NM_001350335.2, NM_001350336.2 and 1 more transcripts); c.-229A>G (NM_001350334.2); short protein forms M1V.
Identifiers: ClinVar variation 4706563 (VCV004706563.1).
Genomic context (GRCh38, chr21:32,612,243, plus strand): 5'-TCCCAGGCGCCTGCAGCAGGAACTGGCTCTCGTCGCCCCGCTTCACGTGCAGCAGAACCA[T>C]GGCGGTCCCGCCGAGGTACTGAGGCGTTGAGAAGGCCCCGGCTGCGTGGCCCGCGGGTCC-3'
Protein context (NP_067077.1, residues 1-11): [Met1Val]VLLHVKRGDE

ClinVar aggregate classification (germline): Uncertain significance (1 of 4 stars; one submission).

Submission:

Labcorp Genetics (formerly Invitae), Labcorp
Classification: Uncertain significance. Last evaluated: 2025-03-26. Review status: criteria provided, single submitter. Criteria: Invitae Variant Classification Sherloc (09022015). Collection method: clinical testing. Allele origin: germline.
Comment: This sequence change affects the initiator methionine of the CFAP298 mRNA. The next in-frame methionine is located at codon 48. This variant is not present in population databases (gnomAD no frequency). This variant has not been reported in the literature in individuals affected with CFAP298-related conditions. Experimental studies and prediction algorithms are not available or were not evaluated, and the functional significance of this variant is currently unknown. In summary, the available evidence is currently insufficient to determine the role of this variant in disease. Therefore, it has been classified as a Variant of Uncertain Significance.